The following is an entry in ClinVar:

NM_006885.4(ZFHX3):c.246C>T (p.Asn82=)

Gene: ZFHX3 (zinc finger homeobox 3; minus strand). Cytogenetic location: 16q22.3.
Variant type: single nucleotide variant.
Coding change: c.246C>T on transcript NM_006885.4 (MANE Select); coding-DNA position 246, C replaced by T.
Protein change: p.Asn82=; no amino-acid change (asparagine 82 retained).
Molecular consequence: synonymous variant. On other transcripts: intron variant (1).
Genome position (GRCh38, 1-based): chr16:72,959,900, G>A on the plus strand (C>T on the coding strand, the complement: ZFHX3 is on the minus strand). VCF-style: chr16-72959900-G-A. GRCh37 (hg19) VCF-style: chr16-72993799-G-A.
Other names: c.-23-8935C>T (NM_001164766.2); c.246C>T (NM_006885.3).
Identifiers: ClinVar variation 808107 (VCV000808107.37), dbSNP rs62640000, ClinGen allele CA8165046.

ClinVar aggregate classification (germline): Conflicting classifications of pathogenicity. Review status: criteria provided, conflicting classifications (1 of 4 stars). 3 submissions from 3 submitters: Uncertain significance (1); Benign (1). 1 of the submissions does not count toward it. Last evaluated 2026-03-01.

Conditions:
ZFHX3-related disorder. Also called: ZFHX3-related condition.

Allele frequency attached by ClinVar (database versions not stated): 1000 Genomes Project 0.00080; 1000 Genomes Project 30x 0.00094; gnomAD exomes 0.00211 and 0.00343; gnomAD 0.00237 and 0.00245; TOPMed 0.00275; ESP Exome Variant Server 0.00278; ExAC 0.00325.
gnomAD v4.1: 3,599 of 1,603,398 alleles (0.22%); highest among the groups gnomAD compares: Middle Eastern, 0.76%; 39 homozygotes.

Submissions (3):

CeGaT Center for Human Genetics Tuebingen
Classification: Benign. Last evaluated: 2026-03-01. Review status: criteria provided, single submitter. Criteria: CeGaT Center For Human Genetics Tuebingen Variant Classification Criteria Version 2. Collection method: clinical testing. Allele origin: germline. Affected: yes. Observed: 9 variant alleles.
Comment: ZFHX3: BS1, BS2

Breakthrough Genomics
Classification: Uncertain significance. Review status: criteria provided, single submitter. Criteria: ACMG Guidelines, 2015. Collection method: not provided. Allele origin: germline. Inheritance: Autosomal dominant inheritance. Affected: yes.

PreventionGenetics, part of Exact Sciences
Classification: Benign for ZFHX3-related condition. Last evaluated: 2019-05-21. Review status: no assertion criteria provided. Collection method: clinical testing. Allele origin: germline. Not counted in ClinVar's aggregate classification.
Comment: This variant is classified as benign based on ACMG/AMP sequence variant interpretation guidelines (Richards et al. 2015 PMID: 25741868, with internal and published modifications).